The following is an entry in ClinVar:

NM_000388.4(CASR):c.1822T>C (p.Trp608Arg)

Gene: CASR (calcium sensing receptor; plus strand). Cytogenetic location: 3q21.1.
Variant type: single nucleotide variant.
Coding change: c.1822T>C on transcript NM_000388.4 (MANE Select); coding-DNA position 1822, T replaced by C.
Protein change: p.Trp608Arg; replaces tryptophan 608 with arginine.
Molecular consequence: missense variant.
Genome position (GRCh38, 1-based): chr3:122,283,776, T>C. VCF-style: chr3-122283776-T-C. GRCh37 (hg19) VCF-style: chr3-122002623-T-C.
Other names: c.1822T>C (NM_000388.3); c.1852T>C, p.Trp618Arg (NM_001178065.2); short protein forms W608R, W618R.
Identifiers: ClinVar variation 1403076 (VCV001403076.9), dbSNP rs2107649456, ClinGen allele CA354157491.
Genomic context (GRCh38, chr3:122,283,776, plus strand): 5'-GACTTCTGGTCCAATGAGAACCACACCTCCTGCATTGCCAAGGAGATCGAGTTTCTGTCG[T>C]GGACGGAGCCCTTTGGGATCGCACTCACCCTCTTTGCCGTGCTGGGCATTTTCCTGACAG-3'
Protein context (NP_000379.3, residues 598-618): CIAKEIEFLS[Trp608Arg]TEPFGIALTL

ClinVar aggregate classification (germline): Uncertain significance. Review status: criteria provided, multiple submitters, no conflicts (2 of 4 stars). 2 submissions from 2 submitters: Uncertain significance (2). Last evaluated 2025-08-20.

Conditions:
Familial hypocalciuric hypercalcemia (FHH). Also called: Familial benign hypercalcemia. Identifiers: Orphanet 405, MedGen C1809471, MONDO:0018458.
Autosomal dominant hypocalcemia 1 (HYPOC1). Also called: HYPOCALCEMIA, FAMILIAL. Identifiers: MedGen C3715128, MONDO:0011013, OMIM 601198.
Nephrolithiasis/nephrocalcinosis. Identifiers: MedGen CN580796.

Submissions (2):

Labcorp Genetics (formerly Invitae), Labcorp
Classification: Uncertain significance for Familial hypocalciuric hypercalcemia; Autosomal dominant hypocalcemia 1. Last evaluated: 2025-08-20. Review status: criteria provided, single submitter. Criteria: Invitae Variant Classification Sherloc (09022015). Collection method: clinical testing. Allele origin: germline.
Comment: This sequence change replaces tryptophan, which is neutral and slightly polar, with arginine, which is basic and polar, at codon 608 of the CASR protein (p.Trp608Arg). This variant is not present in population databases (gnomAD no frequency). This variant has not been reported in the literature in individuals affected with CASR-related conditions. ClinVar contains an entry for this variant (Variation ID: 1403076). An algorithm developed to predict the effect of missense changes on protein structure and function (PolyPhen-2) suggests that this variant is likely to be disruptive. In summary, the available evidence is currently insufficient to determine the role of this variant in disease. Therefore, it has been classified as a Variant of Uncertain Significance.

Ambry Genetics
Classification: Uncertain significance for Nephrolithiasis/nephrocalcinosis. Last evaluated: 2023-01-26. Review status: criteria provided, single submitter. Criteria: Ambry Variant Classification Scheme 2023. Collection method: clinical testing. Allele origin: germline.
Comment: The p.W608R variant (also known as c.1822T>C), located in coding exon 6 of the CASR gene, results from a T to C substitution at nucleotide position 1822. The tryptophan at codon 608 is replaced by arginine, an amino acid with dissimilar properties. This amino acid position is conserved. In addition, this alteration is predicted to be deleterious by in silico analysis. Since supporting evidence is limited at this time, the clinical significance of this alteration remains unclear.